The following is an entry in ClinVar:

NM_000384.3(APOB):c.3645A>T (p.Arg1215Ser)

Gene: APOB (apolipoprotein B; minus strand). Cytogenetic location: 2p24.1.
Variant type: single nucleotide variant.
Coding change: c.3645A>T on transcript NM_000384.3 (MANE Select); coding-DNA position 3645, A replaced by T.
Protein change: p.Arg1215Ser; replaces arginine 1215 with serine.
Molecular consequence: missense variant.
Genome position (GRCh38, 1-based): chr2:21,015,124, T>A on the plus strand (A>T on the coding strand, the complement: APOB is on the minus strand). VCF-style: chr2-21015124-T-A. GRCh37 (hg19) VCF-style: chr2-21237996-T-A.
Other names: short protein forms R1215S.
Identifiers: ClinVar variation 5027599 (VCV005027599.1).
Genomic context (GRCh38, chr2:21,015,124, plus strand): 5'-CATACTTACAACTATTAATTTGGAACCCACGTGCCGGAAAGTCATGTCTGTTTGAGGGAC[T>A]CTGTGATCCAGGAGTCTATTAGCATACATATGCAAGCTCTTAGGATAATCGGAGAGATCC-3'
Protein context (NP_000375.3, residues 1205-1225): HMYANRLLDH[Arg1215Ser]VPQTDMTFRH

ClinVar aggregate classification (germline): Uncertain significance (1 of 4 stars; one submission).

Conditions:
Cardiovascular phenotype. Identifiers: MedGen CN230736.

gnomAD v4.1: 4 of 1,614,236 alleles (0.00025%); highest among the groups gnomAD compares: Non-Finnish European, 0.00034%; no homozygotes.

Submission:

Ambry Genetics
Classification: Uncertain significance for Cardiovascular phenotype. Last evaluated: 2026-07-07. Review status: criteria provided, single submitter. Criteria: Ambry Variant Classification Scheme 2023. Collection method: clinical testing. Allele origin: germline.
Comment: The p.R1215S variant (also known as c.3645A>T), located in coding exon 23 of the APOB gene, results from an A to T substitution at nucleotide position 3645. The arginine at codon 1215 is replaced by serine, an amino acid with dissimilar properties. This amino acid position is conserved. In addition, this alteration is predicted to be tolerated by in silico analysis. Based on the available evidence, the clinical significance of this variant remains unclear.